The following is an entry in ClinVar:

NM_001372.4(DNAH9):c.2195A>G (p.Tyr732Cys)

Gene: DNAH9 (dynein axonemal heavy chain 9; plus strand). Cytogenetic location: 17p12.
Variant type: single nucleotide variant.
Coding change: c.2195A>G on transcript NM_001372.4 (MANE Select); coding-DNA position 2195, A replaced by G.
Protein change: p.Tyr732Cys; replaces tyrosine 732 with cysteine.
Molecular consequence: missense variant.
Genome position (GRCh38, 1-based): chr17:11,651,166, A>G. VCF-style: chr17-11651166-A-G. GRCh37 (hg19) VCF-style: chr17-11554483-A-G.
Other names: short protein forms Y732C.
Identifiers: ClinVar variation 2083608 (VCV002083608.1), dbSNP rs201954006, ClinGen allele CA8395123.

ClinVar aggregate classification (germline): Uncertain significance (1 of 4 stars; one submission).

Allele frequency attached by ClinVar (database versions not stated): gnomAD exomes 0.00006.
gnomAD v4.1: 84 of 1,614,054 alleles (0.0052%); highest among the groups gnomAD compares: Non-Finnish European, 0.0064%; no homozygotes.

Submission:

Labcorp Genetics (formerly Invitae), Labcorp
Classification: Uncertain significance. Last evaluated: 2022-04-18. Review status: criteria provided, single submitter. Criteria: Invitae Variant Classification Sherloc (09022015). Collection method: clinical testing. Allele origin: germline.
Comment: This sequence change replaces tyrosine, which is neutral and polar, with cysteine, which is neutral and slightly polar, at codon 732 of the DNAH9 protein (p.Tyr732Cys). This variant is present in population databases (rs201954006, gnomAD 0.006%). This variant has not been reported in the literature in individuals affected with DNAH9-related conditions. Algorithms developed to predict the effect of missense changes on protein structure and function are either unavailable or do not agree on the potential impact of this missense change (SIFT: "Deleterious"; PolyPhen-2: "Probably Damaging"; Align-GVGD: "Class C0"). In summary, the available evidence is currently insufficient to determine the role of this variant in disease. Therefore, it has been classified as a Variant of Uncertain Significance.